The following is an entry in ClinVar:

NM_004960.4(FUS):c.1148G>A (p.Arg383His)

Gene: FUS (FUS RNA binding protein; plus strand). Cytogenetic location: 16p11.2.
Variant type: single nucleotide variant.
Coding change: c.1148G>A on transcript NM_004960.4 (MANE Select); coding-DNA position 1148, G replaced by A.
Protein change: p.Arg383His; replaces arginine 383 with histidine.
Molecular consequence: missense variant. On other transcripts: non-coding transcript variant (1).
Genome position (GRCh38, 1-based): chr16:31,190,121, G>A. VCF-style: chr16-31190121-G-A. GRCh37 (hg19) VCF-style: chr16-31201442-G-A.
Other names: c.1145G>A, p.Arg382His (NM_001170634.1); c.1136G>A, p.Arg379His (NM_001170937.1); short protein forms R383H, R379H, R382H.
Identifiers: ClinVar variation 2937525 (VCV002937525.4), dbSNP rs767027467, ClinGen allele CA8023944.

ClinVar aggregate classification (germline): Uncertain significance. Review status: criteria provided, multiple submitters, no conflicts (2 of 4 stars). 2 submissions from 2 submitters: Uncertain significance (2). Last evaluated 2025-05-06.

Conditions:
Amyotrophic lateral sclerosis type 6. Also called: FUS-Related Amyotrophic Laterial Sclerosis; Amyotrophic lateral sclerosis 6, with or without frontotemporal dementia; AMYOTROPHIC LATERAL SCLEROSIS 6 WITHOUT FRONTOTEMPORAL DEMENTIA. Identifiers: Orphanet 275872, Orphanet 803, MedGen C2931786, MONDO:0011951, OMIM 608030.
Tremor, hereditary essential, 4 (ETM4). Identifiers: MedGen C3539195, MONDO:0013888, OMIM 614782.
FUS-related disorder. Also called: FUS-related condition.

Allele frequency attached by ClinVar (database versions not stated): gnomAD 0.00001; ExAC 0.00002; TOPMed 0.00002.
gnomAD v4.1: 39 of 1,614,088 alleles (0.0024%); highest among the groups gnomAD compares: Non-Finnish European, 0.0031%; no homozygotes.

Submissions (2):

PreventionGenetics, part of Exact Sciences
Classification: Uncertain significance for FUS-related condition. Last evaluated: 2025-05-06. Review status: criteria provided, single submitter. Criteria: ACMG Guidelines, 2015. Collection method: clinical testing. Allele origin: germline.
Comment: The FUS c.1148G>A variant is predicted to result in the amino acid substitution p.Arg383His. To our knowledge, this variant has not been reported in the literature. This variant is reported in 0.0046% of alleles in individuals of European (Non-Finnish) descent in gnomAD. At this time, the clinical significance of this variant is uncertain due to the absence of conclusive functional and genetic evidence.

Labcorp Genetics (formerly Invitae), Labcorp
Classification: Uncertain significance for Tremor, hereditary essential, 4; Amyotrophic lateral sclerosis type 6. Last evaluated: 2025-05-04. Review status: criteria provided, single submitter. Criteria: Invitae Variant Classification Sherloc (09022015). Collection method: clinical testing. Allele origin: germline.
Comment: This sequence change replaces arginine, which is basic and polar, with histidine, which is basic and polar, at codon 383 of the FUS protein (p.Arg383His). This variant is present in population databases (rs767027467, gnomAD 0.005%). This variant has not been reported in the literature in individuals affected with FUS-related conditions. ClinVar contains an entry for this variant (Variation ID: 2937525). An algorithm developed to predict the effect of missense changes on protein structure and function (PolyPhen-2) suggests that this variant is likely to be disruptive. In summary, the available evidence is currently insufficient to determine the role of this variant in disease. Therefore, it has been classified as a Variant of Uncertain Significance.